The following is an entry in ClinVar:

NM_001183.6(ATP6AP1):c.883C>T (p.Leu295Phe)

Gene: ATP6AP1 (ATPase H+ transporting accessory protein 1; plus strand). Cytogenetic location: Xq28.
Variant type: single nucleotide variant.
Coding change: c.883C>T on transcript NM_001183.6 (MANE Select); coding-DNA position 883, C replaced by T.
Protein change: p.Leu295Phe; replaces leucine 295 with phenylalanine.
Molecular consequence: missense variant.
Genome position (GRCh38, 1-based): chrX:154,434,406, C>T. VCF-style: chrX-154434406-C-T. GRCh37 (hg19) VCF-style: chrX-153662752-C-T.
Other names: short protein forms L295F.
Identifiers: ClinVar variation 2716022 (VCV002716022.3), dbSNP rs781884065, ClinGen allele CA10562717.

ClinVar aggregate classification (germline): Uncertain significance (1 of 4 stars; one submission).

Allele frequency attached by ClinVar (database versions not stated): gnomAD exomes below 0.00001; ExAC 0.00002; TOPMed 0.00006; gnomAD 0.00008.

Submission:

Labcorp Genetics (formerly Invitae), Labcorp
Classification: Uncertain significance. Last evaluated: 2025-06-29. Review status: criteria provided, single submitter. Criteria: Invitae Variant Classification Sherloc (09022015). Collection method: clinical testing. Allele origin: germline.
Comment: This sequence change replaces leucine, which is neutral and non-polar, with phenylalanine, which is neutral and non-polar, at codon 295 of the ATP6AP1 protein (p.Leu295Phe). This variant is present in population databases (rs781884065, gnomAD 0.02%). This variant has not been reported in the literature in individuals affected with ATP6AP1-related conditions. ClinVar contains an entry for this variant (Variation ID: 2716022). Invitae Evidence Modeling of protein sequence and biophysical properties (such as structural, functional, and spatial information, amino acid conservation, physicochemical variation, residue mobility, and thermodynamic stability) indicates that this missense variant is not expected to disrupt ATP6AP1 protein function with a negative predictive value of 80%. In summary, the available evidence is currently insufficient to determine the role of this variant in disease. Therefore, it has been classified as a Variant of Uncertain Significance.